The following is an entry in ClinVar:

NM_001164508.2(NEB):c.8722A>C (p.Ile2908Leu)

Gene: NEB (nebulin; minus strand). Cytogenetic location: 2q23.3.
Variant type: single nucleotide variant.
Coding change: c.8722A>C on transcript NM_001164508.2 (MANE Select); coding-DNA position 8722, A replaced by C.
Protein change: p.Ile2908Leu; replaces isoleucine 2908 with leucine.
Molecular consequence: missense variant.
Genome position (GRCh38, 1-based): chr2:151,640,024, T>G on the plus strand (A>C on the coding strand, the complement: NEB is on the minus strand). VCF-style: chr2-151640024-T-G. GRCh37 (hg19) VCF-style: chr2-152496538-T-G.
Other names: c.8722A>C, p.Ile2908Leu (NM_001164507.2, NM_001271208.2, NM_004543.5); short protein forms I2908L.
Identifiers: ClinVar variation 2089601 (VCV002089601.1), dbSNP rs756146889, ClinGen allele CA348809625.

ClinVar aggregate classification (germline): Uncertain significance (1 of 4 stars; one submission).

Conditions:
Nemaline myopathy 2 (NEM2). Also called: Nemaline myopathy 2, autosomal recessive. Identifiers: MedGen C1850569, MONDO:0009725, OMIM 256030.

gnomAD v4.1: 2 of 1,613,838 alleles (0.00012%); highest among the groups gnomAD compares: Non-Finnish European, 0.00017%; no homozygotes.

Submission:

Labcorp Genetics (formerly Invitae), Labcorp
Classification: Uncertain significance for Nemaline myopathy 2. Last evaluated: 2022-01-26. Review status: criteria provided, single submitter. Criteria: Invitae Variant Classification Sherloc (09022015). Collection method: clinical testing. Allele origin: germline.
Comment: This sequence change replaces isoleucine, which is neutral and non-polar, with leucine, which is neutral and non-polar, at codon 2908 of the NEB protein (p.Ile2908Leu). This variant is present in population databases (no rsID available, gnomAD 0.0009%). This variant has not been reported in the literature in individuals affected with NEB-related conditions. Algorithms developed to predict the effect of missense changes on protein structure and function are either unavailable or do not agree on the potential impact of this missense change (SIFT: "Deleterious"; PolyPhen-2: "Not Available"; Align-GVGD: "Class C0"). In summary, the available evidence is currently insufficient to determine the role of this variant in disease. Therefore, it has been classified as a Variant of Uncertain Significance.